The following is an entry in ClinVar:

ClinVar aggregate classification (germline): Likely benign (1 of 4 stars; one submission).

Submission:

CeGaT Center for Human Genetics Tuebingen
Classification: Likely benign. Last evaluated: 2024-03-01. Review status: criteria provided, single submitter. Criteria: CeGaT Center For Human Genetics Tuebingen Variant Classification Criteria Version 2. Collection method: clinical testing. Allele origin: germline. Affected: yes. Observed: 1 variant allele.
Comment: POU4F3: PM2:Supporting, BP4, BP7

NM_002700.3(POU4F3):c.951G>C (p.Val317=)

Genes: POU4F3 (POU class 4 homeobox 3; plus strand), RBM27-POU4F3 (RBM27-POU4F3 readthrough; plus strand). Cytogenetic location: 5q32.
Variant type: single nucleotide variant.
Coding change: c.951G>C on transcript NM_002700.3 (MANE Select); coding-DNA position 951, G replaced by C.
Protein change: p.Val317=; no amino-acid change (valine 317 retained).
Molecular consequence: synonymous variant. On other transcripts: 3 prime UTR variant (1).
Genome position (GRCh38, 1-based): chr5:146,340,378, G>C. VCF-style: chr5-146340378-G-C. GRCh37 (hg19) VCF-style: chr5-145719941-G-C.
Other names: c.*820G>C (NM_001414499.1).
Identifiers: ClinVar variation 3067778 (VCV003067778.21), dbSNP rs2479694310, ClinGen allele CA446919337.
Genomic context (GRCh38, chr5:146,340,378, plus strand): 5'-ACGTCCTTCATCTGAGAAGATCGCGGCCATCGCTGAGAAACTGGACCTTAAAAAGAACGT[G>C]GTGAGAGTCTGGTTCTGCAACCAGAGACAGAAACAGAAACGAATGAAGTATTCGGCTGTC-3'
Protein context (NP_002691.1, residues 307-327): IAEKLDLKKN[Val317=]VRVWFCNQRQ